The following is an entry in ClinVar:

ClinVar aggregate classification (germline): Uncertain significance (1 of 4 stars; one submission).

Allele frequency attached by ClinVar (database versions not stated): ExAC 0.00001; gnomAD 0.00001; gnomAD exomes 0.00001; TOPMed 0.00002.
gnomAD v4.1: 21 of 1,614,014 alleles (0.0013%); highest among the groups gnomAD compares: South Asian, 0.0066%; no homozygotes.

Submission:

Labcorp Genetics (formerly Invitae), Labcorp
Classification: Uncertain significance. Last evaluated: 2022-01-27. Review status: criteria provided, single submitter. Criteria: Invitae Variant Classification Sherloc (09022015). Collection method: clinical testing. Allele origin: germline.
Comment: In summary, the available evidence is currently insufficient to determine the role of this variant in disease. Therefore, it has been classified as a Variant of Uncertain Significance. Algorithms developed to predict the effect of missense changes on protein structure and function output the following: SIFT: "Deleterious"; PolyPhen-2: "Benign"; Align-GVGD: "Class C25". The isoleucine amino acid residue is found in multiple mammalian species, which suggests that this missense change does not adversely affect protein function. This variant has not been reported in the literature in individuals affected with LTBP2-related conditions. This variant is present in population databases (rs752078693, gnomAD 0.006%). This sequence change replaces valine, which is neutral and non-polar, with isoleucine, which is neutral and non-polar, at codon 986 of the LTBP2 protein (p.Val986Ile).

NM_000428.3(LTBP2):c.2956G>A (p.Val986Ile)

Gene: LTBP2 (latent transforming growth factor beta binding protein 2; minus strand). Cytogenetic location: 14q24.3.
Variant type: single nucleotide variant.
Coding change: c.2956G>A on transcript NM_000428.3 (MANE Select); coding-DNA position 2956, G replaced by A.
Protein change: p.Val986Ile; replaces valine 986 with isoleucine.
Molecular consequence: missense variant.
Genome position (GRCh38, 1-based): chr14:74,511,317, C>T on the plus strand (G>A on the coding strand, the complement: LTBP2 is on the minus strand). VCF-style: chr14-74511317-C-T. GRCh37 (hg19) VCF-style: chr14-74978020-C-T.
Other names: short protein forms V986I.
Identifiers: ClinVar variation 1906227 (VCV001906227.3), dbSNP rs752078693, ClinGen allele CA7269337.